The following is an entry in ClinVar:

NM_001278116.2(L1CAM):c.2848_2849del (p.Gly950fs)

Gene: L1CAM (L1 cell adhesion molecule; minus strand). Cytogenetic location: Xq28.
Variant type: Deletion.
Coding change: c.2848_2849del on transcript NM_001278116.2 (MANE Select); coding-DNA positions 2848 to 2849, 2 bases deleted (GG; older notation c.2848_2849delGG).
Protein change: p.Gly950fs; shifts the reading frame from glycine 950.
Molecular consequence: frameshift variant.
Genome position (GRCh38, 1-based): chrX:153,865,111-153,865,112, CC deleted on the plus strand (GG on the coding strand, the reverse complement: L1CAM is on the minus strand). VCF-style (leftmost placement, unchanged base first): chrX-153865110-GCC-G. GRCh37 (hg19) VCF-style: chrX-153130565-GCC-G.
Other names: c.2848_2849del, p.Gly950fs (NM_024003.3, NM_000425.5); c.2833_2834del, p.Gly945fs (NM_001143963.2); short protein forms G945fs, G950fs.
Identifiers: ClinVar variation 3062265 (VCV003062265.1), dbSNP rs2520972097, ClinGen allele CA2740090167.

ClinVar aggregate classification (germline): Likely pathogenic (1 of 4 stars; one submission).

Conditions:
MASA syndrome. Also called: ADDUCTED THUMB WITH MENTAL RETARDATION; CLASPED THUMB AND MENTAL RETARDATION; GAREIS-MASON SYNDROME; MENTAL RETARDATION, APHASIA, SHUFFLING GAIT, AND ADDUCTED THUMBS; SPASTIC PARAPLEGIA 1, X-LINKED; MASA (Mental Retardation, Adducted Thumbs, Shuffling Gait, Aphasia) Syndrome, Including SPG1 (X-Linked Complicated Hereditary Spastic Paraplegia Type 1). Identifiers: Orphanet 2466, MedGen C0795953, MONDO:0010559, OMIM 303350.
X-linked hydrocephalus syndrome (HYCX). Also called: AQUEDUCTAL STENOSIS, X-LINKED; X-Linked Hydrocephalus with Stenosis of the Aqueduct of Sylvius; X-linked hydrocephalus; X-Linked Hydrocephalus with Stenosis of the Aqueduct of Sylvius (HSAS); HYDROCEPHALUS, CONGENITAL, X-LINKED. Identifiers: Orphanet 2182, MedGen C0265216, MONDO:0010611, OMIM 307000.

Submission:

Molecular Genetics Department, Kulakov National Medical Research Center for Obstetrics, Gynecology and Perinatology
Classification: Likely pathogenic for X-linked hydrocephalus syndrome; MASA syndrome. Review status: criteria provided, single submitter. Criteria: ACMG Guidelines, 2015. Collection method: clinical testing. Allele origin: germline. Affected: yes.
Comment: A previously undescribed nucleotide variant creates a frameshift p.Gly950LeufsTer10 in the L1CAM gene. Loss-of-function variants are reported in patients with Corpus callosum, partial agenesis of, 304100, Hydrocephalus, congenital, 307000, Hydrocephalus, congenital, X-linked, 307000, MASA syndrome, 303350. The variant is not present in population database (gnomAD no frequency). In summary, the currently available evidence indicates that the variant is pathogenic, but additional data are needed to prove that conclusively. Therefore, this variant has been classified as likely pathogenic.